The following is an entry in ClinVar:

NM_000218.3(KCNQ1):c.1394-9949T>C

Genes: KCNQ1 (potassium voltage-gated channel subfamily Q member 1; plus strand), KCNQ1OT1 (KCNQ1 opposite strand/antisense transcript 1; minus strand). Cytogenetic location: 11p15.5.
Variant type: single nucleotide variant.
Coding change: c.1394-9949T>C on transcript NM_000218.3 (MANE Select); 9949 bases into the intron before coding-DNA position 1394, T replaced by C.
Molecular consequence: intron variant. On other transcripts: non-coding transcript variant (1).
Genome position (GRCh38, 1-based): chr11:2,652,012, T>C. VCF-style: chr11-2652012-T-C. GRCh37 (hg19) VCF-style: chr11-2673242-T-C.
Other names: c.1124-9949T>C (NM_001406837.1); c.1298-9949T>C (NM_001406836.1); c.854-9949T>C (NM_001406838.1); c.1013-9949T>C (NM_181798.2).
Identifiers: ClinVar variation 2641434 (VCV002641434.24), dbSNP rs556987410, ClinGen allele CA216163666.

ClinVar aggregate classification (germline): Benign (1 of 4 stars; one submission).

Allele frequency attached by ClinVar (database versions not stated): 1000 Genomes Project 0.00280; 1000 Genomes Project 30x 0.00328.
gnomAD v4.1: 583 of 398,674 alleles (0.15%); highest among the groups gnomAD compares: African/African-American, 0.94%; 2 homozygotes.

Submission:

CeGaT Center for Human Genetics Tuebingen
Classification: Benign. Last evaluated: 2025-11-01. Review status: criteria provided, single submitter. Criteria: CeGaT Center For Human Genetics Tuebingen Variant Classification Criteria Version 2. Collection method: clinical testing. Allele origin: germline. Affected: yes. Observed: 5 variant alleles.
Comment: KCNQ1OT1: BS1, BS2